The following is an entry in ClinVar:

NM_001723.7(DST):c.3675G>C (p.Glu1225Asp)

Gene: DST (dystonin; minus strand). Cytogenetic location: 6p12.1.
Variant type: single nucleotide variant.
Coding change: c.3675G>C on transcript NM_001723.7 (MANE Plus Clinical); coding-DNA position 3675, G replaced by C.
Protein change: p.Glu1225Asp; replaces glutamic acid 1225 with aspartic acid.
Molecular consequence: missense variant. On other transcripts: intron variant (10).
Genome position (GRCh38, 1-based): chr6:56,620,359, C>G on the plus strand (G>C on the coding strand, the complement: DST is on the minus strand). VCF-style: chr6-56620359-C-G. GRCh37 (hg19) VCF-style: chr6-56485157-C-G.
Other names: c.4830+4171G>C (NM_001144769.5); c.4929+4171G>C (NM_001374722.1, NM_001374736.1); c.4956+4171G>C (NM_001374734.1); c.4416+4171G>C (NM_001144770.2); c.4296+4171G>C (NM_001374730.1, NM_001386100.1, NM_183380.4 and 1 more transcripts); c.3318+4171G>C (NM_015548.5); short protein forms E1225D.
Identifiers: ClinVar variation 1714569 (VCV001714569.6), dbSNP rs2536742670, ClinGen allele CA364571391.

ClinVar aggregate classification (germline): Uncertain significance (1 of 4 stars; one submission).

Conditions:
Epidermolysis bullosa simplex 3, localized or generalized intermediate, with BP230 deficiency (EBS3). Also called: Epidermolysis bullosa simplex, autosomal recessive 2; Epidermolysis bullosa simplex due to BP230 deficiency. Identifiers: Orphanet 412181, MedGen C3809470, MONDO:0014180, OMIM 615425.
Hereditary sensory and autonomic neuropathy type 6. Also called: Neuropathy, hereditary sensory and autonomic, type VI; HSAN VI. Identifiers: Orphanet 314381, MedGen C3539003, MONDO:0013839, OMIM 614653.

gnomAD v4.1: 1 of 1,614,162 alleles (0.000062%); highest among the groups gnomAD compares: Non-Finnish European, 0.000085%; no homozygotes.

Submission:

Labcorp Genetics (formerly Invitae), Labcorp
Classification: Uncertain significance for Epidermolysis bullosa simplex 3, localized or generalized intermediate, with BP230 deficiency; Hereditary sensory and autonomic neuropathy type 6. Last evaluated: 2022-08-25. Review status: criteria provided, single submitter. Criteria: Invitae Variant Classification Sherloc (09022015). Collection method: clinical testing. Allele origin: germline.
Comment: In summary, the available evidence is currently insufficient to determine the role of this variant in disease. Therefore, it has been classified as a Variant of Uncertain Significance. This sequence change replaces glutamic acid, which is acidic and polar, with aspartic acid, which is acidic and polar, at codon 1225 of the DST protein (p.Glu1225Asp). This variant is not present in population databases (gnomAD no frequency). This variant has not been reported in the literature in individuals affected with DST-related conditions. Algorithms developed to predict the effect of missense changes on protein structure and function are either unavailable or do not agree on the potential impact of this missense change (SIFT: "Tolerated"; PolyPhen-2: "Possibly Damaging"; Align-GVGD: "Class C0").